The following is an entry in ClinVar:

NM_001376.5(DYNC1H1):c.11183G>C (p.Arg3728Pro)

Gene: DYNC1H1 (dynein cytoplasmic 1 heavy chain 1; plus strand). Cytogenetic location: 14q32.31.
Variant type: single nucleotide variant.
Coding change: c.11183G>C on transcript NM_001376.5 (MANE Select); coding-DNA position 11183, G replaced by C.
Protein change: p.Arg3728Pro; replaces arginine 3728 with proline.
Molecular consequence: missense variant.
Genome position (GRCh38, 1-based): chr14:102,038,825, G>C. VCF-style: chr14-102038825-G-C. GRCh37 (hg19) VCF-style: chr14-102505162-G-C.
Other names: short protein forms R3728P.
Identifiers: ClinVar variation 210861 (VCV000210861.8), dbSNP rs797045529, ClinGen allele CA207318.

ClinVar aggregate classification (germline): Likely pathogenic. Review status: criteria provided, multiple submitters, no conflicts (2 of 4 stars). 3 submissions from 3 submitters: Likely pathogenic (2). 1 of the submissions does not count toward it. Last evaluated 2025-06-09.

Conditions:
Cortical dysplasia, complex, with other brain malformations 13. Also called: Intellectual disability, autosomal dominant 13. Identifiers: MedGen C3281202, MONDO:0013805, OMIM 614563.
Lissencephaly. Also called: Lissencephaly spectrum disorders. Identifiers: Orphanet 48471, MedGen C0266463, MeSH D054082, MONDO:0018838, HP:0001339.

Submissions (3):

GeneDx
Classification: Likely pathogenic. Last evaluated: 2025-06-09. Review status: criteria provided, single submitter. Criteria: GeneDx Variant Classification Process June 2021. Collection method: clinical testing. Allele origin: germline. Affected: yes.
Comment: Not observed at significant frequency in large population cohorts (gnomAD); In silico analysis supports that this missense variant has a deleterious effect on protein structure/function; This variant is associated with the following publications: (PMID: 25512093, 25609763, 26100331, 29671837)

Genetic Services Laboratory, University of Chicago
Classification: Likely pathogenic for Mental retardation, autosomal dominant 13. Last evaluated: 2014-11-18. Review status: criteria provided, single submitter. Criteria: ACMG Guidelines, 2015. Collection method: clinical testing. Allele origin: germline. Affected: yes.

University of Washington Center for Mendelian Genomics, University of Washington
Classification: Likely pathogenic for lissencephaly. Review status: no assertion criteria provided. Collection method: research. Allele origin: de novo. Affected: yes. Not counted in ClinVar's aggregate classification.

Literature cited by the submitters: PubMed 29671837 (cited by University of Washington Center for Mendelian Genomics, University of Washington).